The following is an entry in ClinVar:

NM_177965.4(CFAP418):c.*1604C>G

Gene: CFAP418 (cilia and flagella associated protein 418; minus strand). Cytogenetic location: 8q22.1.
Variant type: single nucleotide variant.
Coding change: c.*1604C>G on transcript NM_177965.4 (MANE Select); 1604 bases downstream of the stop codon, C replaced by G.
Molecular consequence: 3 prime UTR variant.
Genome position (GRCh38, 1-based): chr8:95,246,013, G>C on the plus strand (C>G on the coding strand, the complement: CFAP418 is on the minus strand). VCF-style: chr8-95246013-G-C. GRCh37 (hg19) VCF-style: chr8-96258241-G-C.
Other names: c.*1604C>G (NM_001363260.1).
Identifiers: ClinVar variation 913523 (VCV000913523.5), dbSNP rs62522657, ClinGen allele CA182087952.
Genomic context (GRCh38, chr8:95,246,013, plus strand): 5'-TAATACATTTTTATTAAAAGATAAAATCTGTCATAATGTCTTTTTTTTTTTTTTGAGACA[G>C]AGTCTCACTGTGTTGTCCAGGCTGGAGCGCAGTGGCGCGACCTTGGCTCACTACAACCTC-3'

ClinVar aggregate classification (germline): Benign/Likely benign. Review status: criteria provided, multiple submitters, no conflicts (2 of 4 stars). 3 submissions from 2 submitters: Benign (1); Likely benign (2). Last evaluated 2018-01-12.

Conditions:
Retinitis pigmentosa (RP). Identifiers: Orphanet 791, MedGen C0035334, MeSH D012174, MONDO:0019200, OMIM 268000. Inheritance: Autosomal dominant, autosomal recessive and X linked inheritance.
Cone-rod dystrophy 16 (CORD16). Identifiers: MedGen C3281045, MONDO:0013786, OMIM 614500.

Allele frequency attached by ClinVar (database versions not stated): 1000 Genomes Project 0.02137; 1000 Genomes Project 30x 0.02202; gnomAD 0.03313 and 0.03460; TOPMed 0.03365.

Submissions (3):

Illumina Laboratory Services, Illumina
Classification: Likely benign for Retinitis pigmentosa. Last evaluated: 2018-01-12. Review status: criteria provided, single submitter. Criteria: ICSL Variant Classification Criteria 13 December 2019. Collection method: clinical testing. Allele origin: germline.
Comment: This variant was observed in the ICSL laboratory as part of a predisposition screen in an ostensibly healthy population. It had not been previously curated by ICSL or reported in the Human Gene Mutation Database (HGMD: prior to June 1st, 2018), and was therefore a candidate for classification through an automated scoring system. Utilizing variant allele frequency, disease prevalence and penetrance estimates, and inheritance mode, an automated score was calculated to assess if this variant is too frequent to cause the disease. Based on the score and internal cut-off values, a variant classified as likely benign is not then subjected to further curation. The score for this variant resulted in a classification of likely benign for this disease.

Illumina Laboratory Services, Illumina
Classification: Benign for Cone-rod dystrophy 16. Last evaluated: 2018-01-12. Review status: criteria provided, single submitter. Criteria: ICSL Variant Classification Criteria 13 December 2019. Collection method: clinical testing. Allele origin: germline.
Comment: This variant was observed in the ICSL laboratory as part of a predisposition screen in an ostensibly healthy population. It had not been previously curated by ICSL or reported in the Human Gene Mutation Database (HGMD: prior to June 1st, 2018), and was therefore a candidate for classification through an automated scoring system. Utilizing variant allele frequency, disease prevalence and penetrance estimates, and inheritance mode, an automated score was calculated to assess if this variant is too frequent to cause the disease. Based on the score and internal cut-off values, a variant classified as benign is not then subjected to further curation. The score for this variant resulted in a classification of benign for this disease.

Breakthrough Genomics
Classification: Likely benign. Review status: criteria provided, single submitter. Criteria: ACMG Guidelines, 2015. Collection method: not provided. Allele origin: germline. Inheritance: Unknown mechanism. Affected: yes.